The following is an entry in ClinVar:

NM_014476.6(PDLIM3):c.226C>A (p.Leu76Met)

Gene: PDLIM3 (PDZ and LIM domain 3; minus strand). Cytogenetic location: 4q35.1.
Variant type: single nucleotide variant.
Coding change: c.226C>A on transcript NM_014476.6 (MANE Select); coding-DNA position 226, C replaced by A.
Protein change: p.Leu76Met; replaces leucine 76 with methionine.
Molecular consequence: missense variant. On other transcripts: non-coding transcript variant (1), intron variant (1).
Genome position (GRCh38, 1-based): chr4:185,525,039, G>T on the plus strand (C>A on the coding strand, the complement: PDLIM3 is on the minus strand). VCF-style: chr4-185525039-G-T. GRCh37 (hg19) VCF-style: chr4-186446193-G-T.
Other names: c.226C>A, p.Leu76Met (NM_001114107.5, NM_001257962.2); c.93+10303C>A (NM_001257963.2); short protein forms L76M.
Identifiers: ClinVar variation 3930381 (VCV003930381.1).

ClinVar aggregate classification (germline): Uncertain significance (1 of 4 stars; one submission).

gnomAD v4.1: 1 of 1,614,056 alleles (0.000062%); highest among the groups gnomAD compares: African/African-American, 0.0013%; no homozygotes.

Submission:

Ambry Genetics
Classification: Uncertain significance. Last evaluated: 2025-03-18. Review status: criteria provided, single submitter. Criteria: Ambry Variant Classification Scheme 2023. Collection method: clinical testing. Allele origin: germline.
Comment: The p.L76M variant (also known as c.226C>A), located in coding exon 2 of the PDLIM3 gene, results from a C to A substitution at nucleotide position 226. The leucine at codon 76 is replaced by methionine, an amino acid with highly similar properties. This amino acid position is conserved. In addition, the in silico prediction for this alteration is inconclusive. Based on the available evidence, the clinical significance of this variant remains unclear.